The following is an entry in ClinVar:

NM_002941.4(ROBO1):c.3782C>T (p.Ala1261Val)

Gene: ROBO1 (roundabout guidance receptor 1; minus strand). Cytogenetic location: 3p12.3.
Variant type: single nucleotide variant.
Coding change: c.3782C>T on transcript NM_002941.4 (MANE Select); coding-DNA position 3782, C replaced by T.
Protein change: p.Ala1261Val; replaces alanine 1261 with valine.
Molecular consequence: missense variant.
Genome position (GRCh38, 1-based): chr3:78,627,414, G>A on the plus strand (C>T on the coding strand, the complement: ROBO1 is on the minus strand). VCF-style: chr3-78627414-G-A. GRCh37 (hg19) VCF-style: chr3-78676564-G-A.
Other names: c.3647C>T, p.Ala1216Val (NM_001145844.1, NM_133631.4); c.3482C>T, p.Ala1161Val (NM_001145845.2); short protein forms A1216V, A1161V, A1261V.
Identifiers: ClinVar variation 2880251 (VCV002880251.3), dbSNP rs1256146175, ClinGen allele CA353650204.
Genomic context (GRCh38, chr3:78,627,414, plus strand): 5'-TCCTCTGGACAATCCTGTAACATGGGCTGGAGTTCTTCCTGTGGGGAGGGAGTCAGAGTG[G>A]CAGTGGACTGATGGCTATAGGACACGGCAGCTGGAGAAGAAGCTGCTCCCCGAACAGGGG-3'
Protein context (NP_002932.1, residues 1251-1271): AAVSYSHQST[Ala1261Val]TLTPSPQEEL

ClinVar aggregate classification (germline): Uncertain significance (1 of 4 stars; one submission).

Allele frequency attached by ClinVar (database versions not stated): gnomAD exomes below 0.00001; TOPMed below 0.00001.
gnomAD v4.1: 1 of 1,612,784 alleles (0.000062%); highest among the groups gnomAD compares: Non-Finnish European, 0.000085%; no homozygotes.

Submission:

Labcorp Genetics (formerly Invitae), Labcorp
Classification: Uncertain significance. Last evaluated: 2022-11-24. Review status: criteria provided, single submitter. Criteria: Invitae Variant Classification Sherloc (09022015). Collection method: clinical testing. Allele origin: germline.
Comment: This sequence change replaces alanine, which is neutral and non-polar, with valine, which is neutral and non-polar, at codon 1261 of the ROBO1 protein (p.Ala1261Val). This variant is present in population databases (no rsID available, gnomAD 0.0009%). This variant has not been reported in the literature in individuals affected with ROBO1-related conditions. Advanced modeling of protein sequence and biophysical properties (such as structural, functional, and spatial information, amino acid conservation, physicochemical variation, residue mobility, and thermodynamic stability) performed at Invitae indicates that this missense variant is not expected to disrupt ROBO1 protein function. In summary, the available evidence is currently insufficient to determine the role of this variant in disease. Therefore, it has been classified as a Variant of Uncertain Significance.